The following is an entry in ClinVar:

ClinVar aggregate classification (germline): Likely benign (0 of 4 stars; one submission).

Conditions:
DMBT1-related disorder. Also called: DMBT1-related condition.

Allele frequency attached by ClinVar (database versions not stated): 1000 Genomes Project 30x 0.00078; 1000 Genomes Project 0.00080; ExAC 0.00094; gnomAD 0.00098; ESP Exome Variant Server 0.00108; TOPMed 0.00120.

Submission:

PreventionGenetics, part of Exact Sciences
Classification: Likely benign for DMBT1-related condition. Last evaluated: 2019-10-07. Review status: no assertion criteria provided. Collection method: clinical testing. Allele origin: germline.
Comment: This variant is classified as likely benign based on ACMG/AMP sequence variant interpretation guidelines (Richards et al. 2015 PMID: 25741868, with internal and published modifications).

NM_001377530.1(DMBT1):c.2145G>A (p.Leu715=)

Gene: DMBT1 (deleted in malignant brain tumors 1; plus strand). Cytogenetic location: 10q26.13.
Variant type: single nucleotide variant.
Coding change: c.2145G>A on transcript NM_001377530.1 (MANE Select); coding-DNA position 2145, G replaced by A.
Protein change: p.Leu715=; no amino-acid change (leucine 715 retained).
Molecular consequence: synonymous variant. On other transcripts: intron variant (1).
Genome position (GRCh38, 1-based): chr10:122,591,486, G>A. VCF-style: chr10-122591486-G-A. GRCh37 (hg19) VCF-style: chr10-124351002-G-A.
Other names: c.2145G>A, p.Leu715= (NM_001320644.2, NM_007329.3); c.2115G>A, p.Leu705= (NM_017579.3); c.1421-6488G>A (NM_004406.3).
Identifiers: ClinVar variation 3042251 (VCV003042251.2), dbSNP rs189226060, ClinGen allele CA5727058.